The following is an entry in ClinVar:

NM_000057.4(BLM):c.157T>G (p.Ser53Ala)

Gene: BLM (BLM RecQ like helicase; plus strand). Cytogenetic location: 15q26.1.
Variant type: single nucleotide variant.
Coding change: c.157T>G on transcript NM_000057.4 (MANE Select); coding-DNA position 157, T replaced by G.
Protein change: p.Ser53Ala; replaces serine 53 with alanine.
Molecular consequence: missense variant. On other transcripts: 5 prime UTR variant (1).
Genome position (GRCh38, 1-based): chr15:90,749,425, T>G. VCF-style: chr15-90749425-T-G. GRCh37 (hg19) VCF-style: chr15-91292655-T-G.
Other names: c.157T>G, p.Ser53Ala (NM_001287246.2, NM_001287247.2); c.-1135T>G (NM_001287248.2); short protein forms S53A.
Identifiers: ClinVar variation 1775678 (VCV001775678.3), dbSNP rs1555418248, ClinGen allele CA393839506.

ClinVar aggregate classification (germline): Uncertain significance. Review status: criteria provided, multiple submitters, no conflicts (2 of 4 stars). 2 submissions from 2 submitters: Uncertain significance (2). Last evaluated 2025-03-11.

Conditions:
Hereditary cancer-predisposing syndrome. Also called: Neoplastic Syndromes, Hereditary; Tumor predisposition; Hereditary Cancer Syndrome; Hereditary neoplastic syndrome. Identifiers: Orphanet 140162, MedGen C0027672, MeSH D009386, MONDO:0015356.
Bloom syndrome (BLM). Also called: Bloom-Torre-Machacek syndrome. Identifiers: Orphanet 125, MedGen C0005859, MONDO:0008876, OMIM 210900.

Submissions (2):

Labcorp Genetics (formerly Invitae), Labcorp
Classification: Uncertain significance for Bloom syndrome. Last evaluated: 2025-03-11. Review status: criteria provided, single submitter. Criteria: Invitae Variant Classification Sherloc (09022015). Collection method: clinical testing. Allele origin: germline.
Comment: This sequence change replaces serine, which is neutral and polar, with alanine, which is neutral and non-polar, at codon 53 of the BLM protein (p.Ser53Ala). This variant is not present in population databases (gnomAD no frequency). This variant has not been reported in the literature in individuals affected with BLM-related conditions. ClinVar contains an entry for this variant (Variation ID: 1775678). An algorithm developed to predict the effect of missense changes on protein structure and function (PolyPhen-2) suggests that this variant is likely to be disruptive. In summary, the available evidence is currently insufficient to determine the role of this variant in disease. Therefore, it has been classified as a Variant of Uncertain Significance.

Ambry Genetics
Classification: Uncertain significance for Hereditary cancer-predisposing syndrome. Last evaluated: 2021-12-15. Review status: criteria provided, single submitter. Criteria: Ambry Variant Classification Scheme 2023. Collection method: clinical testing. Allele origin: germline.
Comment: The p.S53A variant (also known as c.157T>G), located in coding exon 2 of the BLM gene, results from a T to G substitution at nucleotide position 157. The serine at codon 53 is replaced by alanine, an amino acid with similar properties. This amino acid position is conserved. In addition, this alteration is predicted to be tolerated by in silico analysis. Since supporting evidence is limited at this time, the clinical significance of this alteration remains unclear.